The following is an entry in ClinVar:

NM_001271.4(CHD2):c.1994C>T (p.Pro665Leu)

Gene: CHD2 (chromodomain helicase DNA binding protein 2; plus strand). Cytogenetic location: 15q26.1.
Variant type: single nucleotide variant.
Coding change: c.1994C>T on transcript NM_001271.4 (MANE Select); coding-DNA position 1994, C replaced by T.
Protein change: p.Pro665Leu; replaces proline 665 with leucine.
Molecular consequence: missense variant.
Genome position (GRCh38, 1-based): chr15:92,956,643, C>T. VCF-style: chr15-92956643-C-T. GRCh37 (hg19) VCF-style: chr15-93499873-C-T.
Other names: short protein forms P665L.
Identifiers: ClinVar variation 474375 (VCV000474375.10), dbSNP rs773901289, ClinGen allele CA7747899.

ClinVar aggregate classification (germline): Conflicting classifications of pathogenicity. Review status: criteria provided, conflicting classifications (1 of 4 stars). 2 submissions from 2 submitters: Uncertain significance (1); Likely benign (1). Last evaluated 2025-12-28.

Conditions:
Developmental and epileptic encephalopathy 94 (DEE94). Also called: CHD2-Related Neurodevelopmental Disorders; Epileptic encephalopathy, childhood-onset. Identifiers: Orphanet 1942, Orphanet 2382, MedGen C3809278, MONDO:0014150, OMIM 615369.

Allele frequency attached by ClinVar (database versions not stated): ExAC 0.00001; gnomAD 0.00001; TOPMed 0.00001; gnomAD exomes 0.00002 and 0.00003.
gnomAD v4.1: 44 of 1,606,534 alleles (0.0027%); highest among the groups gnomAD compares: Middle Eastern, 0.016%; 1 homozygote.

Submissions (2):

Labcorp Genetics (formerly Invitae), Labcorp
Classification: Uncertain significance for Developmental and epileptic encephalopathy 94. Last evaluated: 2025-12-28. Review status: criteria provided, single submitter. Criteria: Invitae Variant Classification Sherloc (09022015). Collection method: clinical testing. Allele origin: germline.
Comment: This sequence change replaces proline, which is neutral and non-polar, with leucine, which is neutral and non-polar, at codon 665 of the CHD2 protein (p.Pro665Leu). This variant is present in population databases (rs773901289, gnomAD 0.005%). This missense change has been observed in individual(s) with clinical features of CHD2-related conditions (PMID: 38003033). ClinVar contains an entry for this variant (Variation ID: 474375). Invitae Evidence Modeling of protein sequence and biophysical properties (such as structural, functional, and spatial information, amino acid conservation, physicochemical variation, residue mobility, and thermodynamic stability) indicates that this missense variant is expected to disrupt CHD2 protein function with a positive predictive value of 95%. In summary, the available evidence is currently insufficient to determine the role of this variant in disease. Therefore, it has been classified as a Variant of Uncertain Significance.

GeneDx
Classification: Likely benign. Last evaluated: 2021-06-07. Review status: criteria provided, single submitter. Criteria: GeneDx Variant Classification Process June 2021. Collection method: clinical testing. Allele origin: germline. Affected: yes.
Comment: Has not been previously published as pathogenic or benign to our knowledge; In silico analysis supports that this missense variant has a deleterious effect on protein structure/function

Literature cited by the submitters: PubMed 38003033 (cited by Labcorp Genetics (formerly Invitae), Labcorp).